The following is an entry in ClinVar:

ClinVar aggregate classification (germline): Pathogenic (1 of 4 stars; one submission).

Conditions:
Epidermolysis bullosa simplex with nail dystrophy (EBS5D). Identifiers: MedGen C4225309, MONDO:0014661, OMIM 616487.
Autosomal recessive limb-girdle muscular dystrophy type 2Q (LGMDR17). Also called: MUSCULAR DYSTROPHY, LIMB-GIRDLE, AUTOSOMAL RECESSIVE 17. Identifiers: Orphanet 254361, MedGen C3150989, MONDO:0013390, OMIM 613723.
Epidermolysis bullosa simplex 5C, with pyloric atresia (EBS5C). Also called: Epidermolysis bullosa simplex with pyloric atresia; PLEC-Related Epidermolysis Bullosa with Pyloric Atresia; PLEC1-Related Epidermolysis Bullosa with Pyloric Atresia. Identifiers: Orphanet 158684, MedGen C2677349, MONDO:0012807, OMIM 612138.
Epidermolysis bullosa simplex 5B, with muscular dystrophy (EBS5B). Also called: Epidermolysis bullosa simplex with muscular dystrophy; EPIDERMOLYSIS BULLOSA SIMPLEX AND LIMB-GIRDLE MUSCULAR DYSTROPHY. Identifiers: Orphanet 257, MedGen C2931072, MONDO:0009181, OMIM 226670.
Epidermolysis bullosa simplex, Ogna type (EBS5A). Also called: Pidermolysis bullosa simplex 5A, Ogna type; EPIDERMOLYSIS BULLOSA SIMPLEX 5A, OGNA TYPE. Identifiers: Orphanet 79401, MedGen C0432317, MONDO:0007555, OMIM 131950.

Allele frequency attached by ClinVar (database versions not stated): gnomAD exomes below 0.00001; TOPMed below 0.00001.
gnomAD v4.1: 4 of 1,612,390 alleles (0.00025%); highest among the groups gnomAD compares: Non-Finnish European, 0.00034%; no homozygotes.

Submission:

Labcorp Genetics (formerly Invitae), Labcorp
Classification: Pathogenic for Autosomal recessive limb-girdle muscular dystrophy type 2Q; Epidermolysis bullosa simplex, Ogna type; Epidermolysis bullosa simplex with nail dystrophy; Epidermolysis bullosa simplex 5C, with pyloric atresia; Epidermolysis bullosa simplex 5B, with muscular dystrophy. Last evaluated: 2020-11-28. Review status: criteria provided, single submitter. Criteria: Invitae Variant Classification Sherloc (09022015). Collection method: clinical testing. Allele origin: germline.
Comment: This variant disrupts the C-terminus of the PLEC protein. Other variant(s) that disrupt this region (p.Lys4460*) have been observed in individuals with PLEC-related conditions (PMID: 10652002). This suggests that this may be a clinically significant region of the protein. For these reasons, this variant has been classified as Pathogenic. This variant has been observed in individual(s) with autosomal recessive epidermolysis bullosa simplex disorders (PMID: 23289980, 31513275). In at least one individual the data is consistent with the variant being in trans (on the opposite chromosome) from a pathogenic variant. This variant is not present in population databases (ExAC no frequency). This sequence change results in a premature translational stop signal in the PLEC gene (p.Arg4167*). While this is not anticipated to result in nonsense mediated decay, it is expected to disrupt the last 408 amino acid(s) of the PLEC protein.

Literature cited by the submitters: PubMed 10652002; PubMed 23289980; PubMed 31513275.

NM_201384.3(PLEC):c.12418C>T (p.Arg4140Ter)

Gene: PLEC (plectin; minus strand). Cytogenetic location: 8q24.3.
Variant type: single nucleotide variant.
Coding change: c.12418C>T on transcript NM_201384.3 (MANE Select); coding-DNA position 12418, C replaced by T.
Protein change: p.Arg4140Ter; replaces arginine 4140 with a stop codon.
Molecular consequence: nonsense.
Genome position (GRCh38, 1-based): chr8:143,917,403, G>A on the plus strand (C>T on the coding strand, the complement: PLEC is on the minus strand). VCF-style: chr8-143917403-G-A. GRCh37 (hg19) VCF-style: chr8-144991571-G-A.
Other names: c.12499C>T, p.Arg4167Ter (NM_000445.5); c.12376C>T, p.Arg4126Ter (NM_201378.4); c.12352C>T, p.Arg4118Ter (NM_201379.3); c.12829C>T, p.Arg4277Ter (NM_201380.4); c.12322C>T, p.Arg4108Ter (NM_201381.3); c.12418C>T, p.Arg4140Ter (NM_201382.4); c.12430C>T, p.Arg4144Ter (NM_201383.3); short protein forms R4108*, R4118*, R4126*, R4140*, R4144*, R4167*, R4277*.
Identifiers: ClinVar variation 1069886 (VCV001069886.9), dbSNP rs1554671979, ClinGen allele CA372482070.